The following is an entry in ClinVar:

ClinVar aggregate classification (germline): Pathogenic (1 of 4 stars; one submission).

Conditions:
Deficiency of aromatic-L-amino-acid decarboxylase. Also called: Aromatic amino acid decarboxylase deficiency; AADC DEFICIENCY; DDC DEFICIENCY; DOPA DECARBOXYLASE DEFICIENCY; Aromatic L-Amino Acid Decarboxylase Deficiency. Identifiers: Orphanet 35708, MedGen C1291564, MONDO:0012084, OMIM 608643.

Submission:

Labcorp Genetics (formerly Invitae), Labcorp
Classification: Pathogenic for Deficiency of aromatic-L-amino-acid decarboxylase. Last evaluated: 2025-04-23. Review status: criteria provided, single submitter. Criteria: Invitae Variant Classification Sherloc (09022015). Collection method: clinical testing. Allele origin: germline.
Comment: This sequence change creates a premature translational stop signal (p.Lys130*) in the DDC gene. It is expected to result in an absent or disrupted protein product. Loss-of-function variants in DDC are known to be pathogenic (PMID: 15079002, 24788355). This variant is not present in population databases (gnomAD no frequency). This variant has not been reported in the literature in individuals affected with DDC-related conditions. For these reasons, this variant has been classified as Pathogenic.

Literature cited by the submitters: PubMed 15079002; PubMed 24788355.

NM_001082971.2(DDC):c.388A>T (p.Lys130Ter)

Genes: DDC (dopa decarboxylase; minus strand), DDC-AS1 (DDC antisense RNA 1; plus strand). Cytogenetic location: 7p12.1.
Variant type: single nucleotide variant.
Coding change: c.388A>T on transcript NM_001082971.2 (MANE Select); coding-DNA position 388, A replaced by T.
Protein change: p.Lys130Ter; replaces lysine 130 with a stop codon.
Molecular consequence: nonsense. On other transcripts: intron variant (1).
Genome position (GRCh38, 1-based): chr7:50,537,907, T>A on the plus strand (A>T on the coding strand, the complement: DDC is on the minus strand). VCF-style: chr7-50537907-T-A. GRCh37 (hg19) VCF-style: chr7-50605605-T-A.
Other names: c.388A>T, p.Lys130Ter (NM_000790.4, NM_001242887.2, NM_001242889.2 and 1 more transcripts); c.274A>T, p.Lys92Ter (NM_001242886.2); c.201+5978A>T (NM_001242888.2); short protein forms K130*, K92*.
Identifiers: ClinVar variation 4716049 (VCV004716049.1).